The following is an entry in ClinVar:

ClinVar aggregate classification (germline): Pathogenic/Likely pathogenic. Review status: criteria provided, multiple submitters, no conflicts (2 of 4 stars). 4 submissions from 4 submitters: Pathogenic (3); Likely pathogenic (1). Last evaluated 2024-12-05.

Conditions:
SYNE1-related disorder. Also called: SYNE1-related disease; SYNE1-related condition; SYNE1-related disorders.
Autosomal recessive ataxia, Beauce type. Also called: SYNE1-Related Autosomal Recessive Cerebellar Ataxia; Spinocerebellar ataxia, autosomal recessive 8; SYNE1 Deficiency; ATAXIA, RECESSIVE, OF BEAUCE. Identifiers: Orphanet 88644, MedGen C1853116, MONDO:0012549, OMIM 610743.
Emery-Dreifuss muscular dystrophy 4, autosomal dominant (EDMD4). Also called: EMERY-DREIFUSS MUSCULAR DYSTROPHY 4 WITH VARIABLE FEATURES. Identifiers: Orphanet 261, MedGen C2751807, MONDO:0013071, OMIM 612998.

gnomAD v4.1: 1 of 1,614,108 alleles (0.000062%); highest among the groups gnomAD compares: Non-Finnish European, 0.000085%; no homozygotes.

Submissions (4):

Labcorp Genetics (formerly Invitae), Labcorp
Classification: Pathogenic for Emery-Dreifuss muscular dystrophy 4, autosomal dominant; Autosomal recessive ataxia, Beauce type. Last evaluated: 2024-12-05. Review status: criteria provided, single submitter. Criteria: Invitae Variant Classification Sherloc (09022015). Collection method: clinical testing. Allele origin: germline.
Comment: This sequence change creates a premature translational stop signal (p.Gln7241*) in the SYNE1 gene. It is expected to result in an absent or disrupted protein product. Loss-of-function variants in SYNE1 are known to be pathogenic (PMID: 19542096, 24319099, 27086870). This variant is not present in population databases (gnomAD no frequency). This variant has not been reported in the literature in individuals affected with SYNE1-related conditions. ClinVar contains an entry for this variant (Variation ID: 282553). For these reasons, this variant has been classified as Pathogenic.

Blueprint Genetics
Classification: Likely pathogenic for SYNE1-related disorders. Last evaluated: 2024-08-23. Review status: criteria provided, single submitter. Criteria: ACMG Guidelines, 2015. Collection method: clinical testing. Allele origin: germline. Affected: yes. Observed: 2 variant alleles.

Women's Health and Genetics/Laboratory Corporation of America, LabCorp
Classification: Pathogenic for SYNE1-Related Disorders. Last evaluated: 2024-02-16. Review status: criteria provided, single submitter. Criteria: LabCorp Variant Classification Summary - May 2015. Collection method: clinical testing. Allele origin: germline.
Comment: Variant summary: SYNE1 c.21721C>T (p.Gln7241X) results in a premature termination codon, predicted to cause absence of the protein due to nonsense mediated decay, which is a commonly known mechanism for disease. The variant was absent in 251294 control chromosomes. To our knowledge, no occurrence of c.21721C>T in individuals affected with SYNE1-Related Disorders and no experimental evidence demonstrating its impact on protein function have been reported. ClinVar contains an entry for this variant (Variation ID: 282553). Based on the evidence outlined above, the variant was classified as pathogenic.

Eurofins Ntd Llc (ga)
Classification: Pathogenic. Last evaluated: 2015-08-14. Review status: criteria provided, single submitter. Criteria: EGL Classification Definitions 2015. Collection method: clinical testing. Allele origin: germline. Observed: 1 variant allele, 1 heterozygote.

Literature cited by the submitters: PubMed 19542096 (cited by Labcorp Genetics (formerly Invitae), Labcorp); PubMed 24319099 (cited by Labcorp Genetics (formerly Invitae), Labcorp); PubMed 27086870 (cited by Labcorp Genetics (formerly Invitae), Labcorp).

NM_182961.4(SYNE1):c.21934C>T (p.Gln7312Ter)

Gene: SYNE1 (spectrin repeat containing nuclear envelope protein 1; minus strand). Cytogenetic location: 6q25.2.
Variant type: single nucleotide variant.
Coding change: c.21934C>T on transcript NM_182961.4 (MANE Select); coding-DNA position 21934, C replaced by T.
Protein change: p.Gln7312Ter; replaces glutamine 7312 with a stop codon.
Molecular consequence: nonsense.
Genome position (GRCh38, 1-based): chr6:152,219,113, G>A on the plus strand (C>T on the coding strand, the complement: SYNE1 is on the minus strand). VCF-style: chr6-152219113-G-A. GRCh37 (hg19) VCF-style: chr6-152540248-G-A.
Other names: c.21721C>T, p.Gln7241Ter (NM_033071.5); short protein forms Q7312*, Q7241*.
Identifiers: ClinVar variation 282553 (VCV000282553.10), dbSNP rs886042421, ClinGen allele CA10604216.